The following is an entry in ClinVar:

ClinVar aggregate classification (germline): Likely benign (1 of 4 stars; one submission).

Conditions:
FREM1-related disorder. Also called: FREM1-related condition; FREM1-Related Disorders.

Submission:

PreventionGenetics, part of Exact Sciences
Classification: Likely benign for FREM1-related condition. Last evaluated: 2025-07-22. Review status: criteria provided, single submitter. Criteria: ACMG Guidelines, 2015. Collection method: clinical testing. Allele origin: germline.
Comment: This variant is classified as likely benign based on ACMG/AMP sequence variant interpretation guidelines (Richards et al. 2015 PMID: 25741868, with internal and published modifications).

NM_001379081.2(FREM1):c.5204+5A>G

Gene: FREM1 (FRAS1 related extracellular matrix 1; minus strand). Cytogenetic location: 9p22.3.
Variant type: single nucleotide variant.
Coding change: c.5204+5A>G on transcript NM_001379081.2 (MANE Select); 5 bases into the intron after coding-DNA position 5204, A replaced by G.
Molecular consequence: intron variant.
Genome position (GRCh38, 1-based): chr9:14,769,719, T>C on the plus strand (A>G on the coding strand, the complement: FREM1 is on the minus strand). VCF-style: chr9-14769719-T-C. GRCh37 (hg19) VCF-style: chr9-14769717-T-C.
Other names: c.5204+5A>G (NM_144966.7); c.812+5A>G (NM_001370061.2, NM_001370058.2, NM_001177704.3).
Identifiers: ClinVar variation 4984973 (VCV004984973.1).